The following is an entry in ClinVar:

ClinVar aggregate classification (germline): Uncertain significance (1 of 4 stars; one submission).

Conditions:
DICER1-related tumor predisposition. Also called: DICER1 syndrome; DICER1-related pleuropulmonary blastoma cancer predisposition syndrome. Identifiers: Orphanet 284343, MedGen C3839822, MONDO:0100216.

Submission:

Labcorp Genetics (formerly Invitae), Labcorp
Classification: Uncertain significance for DICER1-related tumor predisposition. Last evaluated: 2024-04-03. Review status: criteria provided, single submitter. Criteria: Invitae Variant Classification Sherloc (09022015). Collection method: clinical testing. Allele origin: germline.
Comment: This sequence change replaces glycine, which is neutral and non-polar, with glutamic acid, which is acidic and polar, at codon 314 of the DICER1 protein (p.Gly314Glu). This variant is not present in population databases (gnomAD no frequency). This variant has not been reported in the literature in individuals affected with DICER1-related conditions. Advanced modeling of protein sequence and biophysical properties (such as structural, functional, and spatial information, amino acid conservation, physicochemical variation, residue mobility, and thermodynamic stability) performed at Invitae indicates that this missense variant is expected to disrupt DICER1 protein function with a positive predictive value of 80%. In summary, the available evidence is currently insufficient to determine the role of this variant in disease. Therefore, it has been classified as a Variant of Uncertain Significance.

NM_177438.3(DICER1):c.941G>A (p.Gly314Glu)

Gene: DICER1 (dicer 1, ribonuclease III; minus strand). Cytogenetic location: 14q32.13.
Variant type: single nucleotide variant.
Coding change: c.941G>A on transcript NM_177438.3 (MANE Select); coding-DNA position 941, G replaced by A.
Protein change: p.Gly314Glu; replaces glycine 314 with glutamic acid.
Molecular consequence: missense variant. On other transcripts: non-coding transcript variant (6), 5 prime UTR variant (1).
Genome position (GRCh38, 1-based): chr14:95,124,631, C>T on the plus strand (G>A on the coding strand, the complement: DICER1 is on the minus strand). VCF-style: chr14-95124631-C-T. GRCh37 (hg19) VCF-style: chr14-95590968-C-T.
Other names: c.941G>A, p.Gly314Glu (NM_030621.4, NM_001395692.1, NM_001395693.1 and 14 more transcripts); c.536G>A, p.Gly179Glu (NM_001395696.1, NM_001395698.1, NM_001395687.1 and 3 more transcripts); c.-628G>A (NM_001395697.1); c.659G>A, p.Gly220Glu (NM_001395686.1); c.374G>A, p.Gly125Glu (NM_001395691.1); short protein forms G125E, G179E, G220E, G314E.
Identifiers: ClinVar variation 3644493 (VCV003644493.2).
Genomic context (GRCh38, chr14:95,124,631, plus strand): 5'-TTGATGTATTTCTGTAGTTCTCTTACCATCATTCCAGCTACTTTATCTGCACACCAGGGT[C>T]CCAGAACTACCAATACGGCACGACAGTCTGATAGTATCTACAAAAAAAAGAAAAGAAAAA-3'
Protein context (NP_803187.1, residues 304-324): SDCRAVLVVL[Gly314Glu]PWCADKVAGM